The following is an entry in ClinVar:

ClinVar aggregate classification (germline): Uncertain significance (0 of 4 stars; one submission).

Conditions:
Prostate cancer. Also called: Malignant tumor of prostate. Identifiers: Orphanet 1331, MedGen C0376358, MONDO:0008315, HP:0012125.

Allele frequency attached by ClinVar (database versions not stated): gnomAD exomes 0.00002 and 0.00001; ExAC 0.00002.
gnomAD v4.1: 9 of 1,613,884 alleles (0.00056%); highest among the groups gnomAD compares: South Asian, 0.0099%; no homozygotes.

Submission:

Science for Life laboratory,  Karolinska Institutet
Classification: Uncertain significance for Malignant tumor of prostate. Review status: no assertion criteria provided. Collection method: not provided. Allele origin: somatic.
Comment: TumorID:SWE-18
ClinVar note: Converted during submission from Unknown to Uncertain significance.

NM_001033578.3(SGK3):c.782A>G (p.His261Arg)

Genes: C8orf44-SGK3 (C8orf44-SGK3 readthrough; plus strand), SGK3 (serum/glucocorticoid regulated kinase family member 3; plus strand). Cytogenetic location: 8q13.1.
Variant type: single nucleotide variant.
Coding change: c.782A>G on transcript NM_001033578.3 (MANE Select); coding-DNA position 782, A replaced by G.
Protein change: p.His261Arg; replaces histidine 261 with arginine.
Molecular consequence: missense variant.
Genome position (GRCh38, 1-based): chr8:66,840,043, A>G. VCF-style: chr8-66840043-A-G. GRCh37 (hg19) VCF-style: chr8-67752278-A-G.
Other names: c.782A>G, p.His261Arg (NM_001204173.2, NM_013257.5, NM_170709.3); short protein forms H261R.
Identifiers: ClinVar variation 161501 (VCV000161501.2), dbSNP rs193920898, ClinGen allele CA174151.